The following is an entry in ClinVar:

NM_173500.4(TTBK2):c.2188T>G (p.Leu730Val)

Gene: TTBK2 (tau tubulin kinase 2; minus strand). Cytogenetic location: 15q15.2.
Variant type: single nucleotide variant.
Coding change: c.2188T>G on transcript NM_173500.4 (MANE Select); coding-DNA position 2188, T replaced by G.
Protein change: p.Leu730Val; replaces leucine 730 with valine.
Molecular consequence: missense variant.
Genome position (GRCh38, 1-based): chr15:42,753,058, A>C on the plus strand (T>G on the coding strand, the complement: TTBK2 is on the minus strand). VCF-style: chr15-42753058-A-C. GRCh37 (hg19) VCF-style: chr15-43045256-A-C.
Other names: short protein forms L730V.
Identifiers: ClinVar variation 4697751 (VCV004697751.1).

ClinVar aggregate classification (germline): Uncertain significance (1 of 4 stars; one submission).

gnomAD v4.1: 2 of 1,612,508 alleles (0.00012%); highest among the groups gnomAD compares: Non-Finnish European, 0.00017%; no homozygotes.

Submission:

Labcorp Genetics (formerly Invitae), Labcorp
Classification: Uncertain significance. Last evaluated: 2025-04-20. Review status: criteria provided, single submitter. Criteria: Invitae Variant Classification Sherloc (09022015). Collection method: clinical testing. Allele origin: germline.
Comment: This sequence change replaces leucine, which is neutral and non-polar, with valine, which is neutral and non-polar, at codon 730 of the TTBK2 protein (p.Leu730Val). This variant is not present in population databases (gnomAD no frequency). This variant has not been reported in the literature in individuals affected with TTBK2-related conditions. Invitae Evidence Modeling of protein sequence and biophysical properties (such as structural, functional, and spatial information, amino acid conservation, physicochemical variation, residue mobility, and thermodynamic stability) indicates that this missense variant is not expected to disrupt TTBK2 protein function with a negative predictive value of 80%. In summary, the available evidence is currently insufficient to determine the role of this variant in disease. Therefore, it has been classified as a Variant of Uncertain Significance.